The following is an entry in ClinVar:

NM_000178.4(GSS):c.1056C>T (p.Ala352=)

Gene: GSS (glutathione synthetase; minus strand). Cytogenetic location: 20q11.22.
Variant type: single nucleotide variant.
Coding change: c.1056C>T on transcript NM_000178.4 (MANE Select); coding-DNA position 1056, C replaced by T.
Protein change: p.Ala352=; no amino-acid change (alanine 352 retained).
Molecular consequence: synonymous variant.
Genome position (GRCh38, 1-based): chr20:34,931,391, G>A on the plus strand (C>T on the coding strand, the complement: GSS is on the minus strand). VCF-style: chr20-34931391-G-A. GRCh37 (hg19) VCF-style: chr20-33519194-G-A.
Other names: c.1056C>T, p.Ala352= (LRG_1168t1, NM_001322494.1, NM_001322495.1).
Identifiers: ClinVar variation 513605 (VCV000513605.4), dbSNP rs142345902, ClinGen allele CA9825888.

ClinVar aggregate classification (germline): Likely benign. Review status: criteria provided, multiple submitters, no conflicts (2 of 4 stars). 2 submissions from 2 submitters: Likely benign (2). Last evaluated 2026-01-31.

Conditions:
Glutathione synthetase deficiency with 5-oxoprolinuria. Also called: Reduced glutathione synthetase level; Gluthathione synthetase deficiency; PYROGLUTAMIC ACIDURIA; 5-Oxoprolinuria; 5-OXOPROLINURIA DUE TO GLUTATHIONE SYNTHETASE DEFICIENCY. Identifiers: Orphanet 289846, MedGen C0398746, MONDO:0009947, OMIM 266130, HP:0003343.

Allele frequency attached by ClinVar (database versions not stated): gnomAD exomes 0.00004; ESP Exome Variant Server 0.00008; ExAC 0.00001; gnomAD 0.00002; TOPMed 0.00002.
gnomAD v4.1: 64 of 1,614,086 alleles (0.004%); highest among the groups gnomAD compares: East Asian, 0.02%; no homozygotes.

Submissions (2):

Labcorp Genetics (formerly Invitae), Labcorp
Classification: Likely benign for Glutathione synthetase deficiency with 5-oxoprolinuria. Last evaluated: 2026-01-31. Review status: criteria provided, single submitter. Criteria: Invitae Variant Classification Sherloc (09022015). Collection method: clinical testing. Allele origin: germline.

GeneDx
Classification: Likely benign. Last evaluated: 2017-12-11. Review status: criteria provided, single submitter. Criteria: GeneDx Variant Classification (06012015). Collection method: clinical testing. Allele origin: germline. Affected: yes.
Comment: This variant is considered likely benign or benign based on one or more of the following criteria: it is a conservative change, it occurs at a poorly conserved position in the protein, it is predicted to be benign by multiple in silico algorithms, and/or has population frequency not consistent with disease.